The following is an entry in ClinVar:

NM_170606.3(KMT2C):c.5575C>A (p.Pro1859Thr)

Gene: KMT2C (lysine methyltransferase 2C; minus strand). Cytogenetic location: 7q36.1.
Variant type: single nucleotide variant.
Coding change: c.5575C>A on transcript NM_170606.3 (MANE Select); coding-DNA position 5575, C replaced by A.
Protein change: p.Pro1859Thr; replaces proline 1859 with threonine.
Molecular consequence: missense variant.
Genome position (GRCh38, 1-based): chr7:152,182,285, G>T on the plus strand (C>A on the coding strand, the complement: KMT2C is on the minus strand). VCF-style: chr7-152182285-G-T. GRCh37 (hg19) VCF-style: chr7-151879370-G-T.
Other names: short protein forms P1859T.
Identifiers: ClinVar variation 1309149 (VCV001309149.4), dbSNP rs2129120813, ClinGen allele CA370098591.

ClinVar aggregate classification (germline): Uncertain significance. Review status: criteria provided, multiple submitters, no conflicts (2 of 4 stars). 2 submissions from 2 submitters: Uncertain significance (2). Last evaluated 2024-12-30.

Conditions:
Inborn genetic diseases. Identifiers: MedGen C0950123, MeSH D030342.

Submissions (2):

Ambry Genetics
Classification: Uncertain significance for Inborn genetic diseases. Last evaluated: 2024-12-30. Review status: criteria provided, single submitter. Criteria: Ambry Variant Classification Scheme 2023. Collection method: clinical testing. Allele origin: germline.

GeneDx
Classification: Uncertain significance. Last evaluated: 2023-11-18. Review status: criteria provided, single submitter. Criteria: GeneDx Variant Classification Process June 2021. Collection method: clinical testing. Allele origin: germline. Affected: yes.
Comment: Not observed at significant frequency in large population cohorts (gnomAD); In silico analysis supports that this missense variant has a deleterious effect on protein structure/function; Has not been previously published as pathogenic or benign to our knowledge